The following is an entry in ClinVar:

NM_001429.4(EP300):c.1571C>T (p.Thr524Met)

Gene: EP300 (EP300 lysine acetyltransferase; plus strand). Cytogenetic location: 22q13.2.
Variant type: single nucleotide variant.
Coding change: c.1571C>T on transcript NM_001429.4 (MANE Select); coding-DNA position 1571, C replaced by T.
Protein change: p.Thr524Met; replaces threonine 524 with methionine.
Molecular consequence: missense variant.
Genome position (GRCh38, 1-based): chr22:41,135,855, C>T. VCF-style: chr22-41135855-C-T. GRCh37 (hg19) VCF-style: chr22-41531859-C-T.
Other names: c.1571C>T, p.Thr524Met (NM_001362843.2); c.1571C>T (NM_001429.3); short protein forms T524M.
Identifiers: ClinVar variation 1206414 (VCV001206414.23), dbSNP rs1452596865, ClinGen allele CA411686699.

ClinVar aggregate classification (germline): Uncertain significance. Review status: criteria provided, multiple submitters, no conflicts (2 of 4 stars). 5 submissions from 5 submitters: Uncertain significance (3). 2 of the submissions do not count toward it. Last evaluated 2025-05-27.

Conditions:
Inborn genetic diseases. Identifiers: MedGen C0950123, MeSH D030342.
Rubinstein-Taybi syndrome due to EP300 haploinsufficiency. Also called: EP300-Related Rubinstein-Taybi Syndrome; RUBINSTEIN-TAYBI SYNDROME 2. Identifiers: Orphanet 353284, Orphanet 783, MedGen C3150941, MONDO:0013364, OMIM 613684.

Allele frequency attached by ClinVar (database versions not stated): gnomAD exomes 0.00001; TOPMed 0.00002.
gnomAD v4.1: 19 of 1,614,076 alleles (0.0012%); highest among the groups gnomAD compares: Non-Finnish European, 0.0016%; no homozygotes.

Submissions (5):

Labcorp Genetics (formerly Invitae), Labcorp
Classification: Uncertain significance for Rubinstein-Taybi syndrome due to EP300 haploinsufficiency. Last evaluated: 2025-05-27. Review status: criteria provided, single submitter. Criteria: Invitae Variant Classification Sherloc (09022015). Collection method: clinical testing. Allele origin: germline.
Comment: This sequence change replaces threonine, which is neutral and polar, with methionine, which is neutral and non-polar, at codon 524 of the EP300 protein (p.Thr524Met). This variant is not present in population databases (gnomAD no frequency). This variant has not been reported in the literature in individuals affected with EP300-related conditions. ClinVar contains an entry for this variant (Variation ID: 1206414). Invitae Evidence Modeling of protein sequence and biophysical properties (such as structural, functional, and spatial information, amino acid conservation, physicochemical variation, residue mobility, and thermodynamic stability) indicates that this missense variant is not expected to disrupt EP300 protein function with a negative predictive value of 80%. In summary, the available evidence is currently insufficient to determine the role of this variant in disease. Therefore, it has been classified as a Variant of Uncertain Significance.

Ambry Genetics
Classification: Uncertain significance for Inborn genetic diseases. Last evaluated: 2025-03-22. Review status: criteria provided, single submitter. Criteria: Ambry Variant Classification Scheme 2023. Collection method: clinical testing. Allele origin: germline.

CeGaT Center for Human Genetics Tuebingen
Classification: Uncertain significance. Last evaluated: 2024-06-01. Review status: criteria provided, single submitter. Criteria: CeGaT Center For Human Genetics Tuebingen Variant Classification Criteria Version 2. Collection method: clinical testing. Allele origin: germline. Affected: yes. Observed: 1 variant allele.
Comment: EP300: PM2

Joint Genome Diagnostic Labs from Nijmegen and Maastricht, Radboudumc and MUMC+
Classification: Likely benign. Review status: no assertion criteria provided. Collection method: clinical testing. Allele origin: germline. Affected: yes. Study: VKGL Data-share Consensus. Not counted in ClinVar's aggregate classification.

Laboratory of Diagnostic Genome Analysis, Leiden University Medical Center (LUMC)
Classification: Likely benign. Review status: no assertion criteria provided. Collection method: clinical testing. Allele origin: germline. Affected: yes. Study: VKGL Data-share Consensus. Not counted in ClinVar's aggregate classification.